The following is an entry in ClinVar:

NM_014861.4(ATP2C2):c.2389C>T (p.Arg797Trp)

Genes: ATP2C2 (ATPase secretory pathway Ca2+ transporting 2; plus strand), ATP2C2-AS1 (ATP2C2 antisense RNA 1; minus strand). Cytogenetic location: 16q24.1.
Variant type: single nucleotide variant.
Coding change: c.2389C>T on transcript NM_014861.4 (MANE Select); coding-DNA position 2389, C replaced by T.
Protein change: p.Arg797Trp; replaces arginine 797 with tryptophan.
Molecular consequence: missense variant. On other transcripts: non-coding transcript variant (1).
Genome position (GRCh38, 1-based): chr16:84,460,709, C>T. VCF-style: chr16-84460709-C-T. GRCh37 (hg19) VCF-style: chr16-84494315-C-T.
Other names: c.2476C>T, p.Arg826Trp (NM_001286527.3); c.1936C>T, p.Arg646Trp (NM_001291454.2); short protein forms R646W, R797W, R826W.
Identifiers: ClinVar variation 782019 (VCV000782019.6), dbSNP rs62050917, ClinGen allele CA8208340.

ClinVar aggregate classification (germline): Benign. Review status: criteria provided, multiple submitters, no conflicts (2 of 4 stars). 3 submissions from 3 submitters: Benign (2). 1 of the submissions does not count toward it. Last evaluated 2018-12-03.

Conditions:
ATP2C2-related disorder. Also called: ATP2C2-related condition.

Allele frequency attached by ClinVar (database versions not stated): 1000 Genomes Project 30x 0.00437; 1000 Genomes Project 0.00439; gnomAD 0.00758 and 0.00762; ESP Exome Variant Server 0.00848; ExAC 0.00703; TOPMed 0.00785.
gnomAD v4.1: 15,912 of 1,614,198 alleles (0.99%); highest among the groups gnomAD compares: Middle Eastern, 1.3%; 103 homozygotes.

Submissions (3):

Labcorp Genetics (formerly Invitae), Labcorp
Classification: Benign. Last evaluated: 2018-12-03. Review status: criteria provided, single submitter. Criteria: Invitae Variant Classification Sherloc (09022015). Collection method: clinical testing. Allele origin: germline.

Breakthrough Genomics
Classification: Benign. Review status: criteria provided, single submitter. Criteria: ACMG Guidelines, 2015. Collection method: not provided. Allele origin: germline. Inheritance: Unknown mechanism. Affected: yes.

PreventionGenetics, part of Exact Sciences
Classification: Benign for ATP2C2-related condition. Last evaluated: 2019-08-21. Review status: no assertion criteria provided. Collection method: clinical testing. Allele origin: germline. Not counted in ClinVar's aggregate classification.
Comment: This variant is classified as benign based on ACMG/AMP sequence variant interpretation guidelines (Richards et al. 2015 PMID: 25741868, with internal and published modifications).